The following is an entry in ClinVar:

NM_001367624.2(ZNF469):c.11621C>A (p.Pro3874Gln)

Gene: ZNF469 (zinc finger protein 469; plus strand). Cytogenetic location: 16q24.2.
Variant type: single nucleotide variant.
Coding change: c.11621C>A on transcript NM_001367624.2 (MANE Select); coding-DNA position 11621, C replaced by A.
Protein change: p.Pro3874Gln; replaces proline 3874 with glutamine.
Molecular consequence: missense variant.
Genome position (GRCh38, 1-based): chr16:88,439,091, C>A. VCF-style: chr16-88439091-C-A. GRCh37 (hg19) VCF-style: chr16-88505499-C-A.
Other names: NM_001127464.1:c.11537C>A; short protein forms P3874Q.
Identifiers: ClinVar variation 5032204 (VCV005032204.1).

ClinVar aggregate classification (germline): Uncertain significance (1 of 4 stars; one submission).

Conditions:
Cardiovascular phenotype. Identifiers: MedGen CN230736.

Submission:

Ambry Genetics
Classification: Uncertain significance for Cardiovascular phenotype. Last evaluated: 2026-06-20. Review status: criteria provided, single submitter. Criteria: Ambry Variant Classification Scheme 2023. Collection method: clinical testing. Allele origin: germline.
Comment: The p.P3846Q variant (also known as c.11537C>A), located in coding exon 2 of the ZNF469 gene, results from a C to A substitution at nucleotide position 11537. The proline at codon 3846 is replaced by glutamine, an amino acid with similar properties. This amino acid position is conserved. In addition, this alteration is predicted to be tolerated by in silico analysis. Based on the available evidence, the clinical significance of this variant remains unclear.